The following is an entry in ClinVar:

ClinVar aggregate classification (germline): Uncertain significance (1 of 4 stars; one submission).

Conditions:
SCP2-related disorder. Also called: SCP2-related condition.

Submission:

PreventionGenetics, part of Exact Sciences
Classification: Uncertain significance for SCP2-related condition. Last evaluated: 2026-05-10. Review status: criteria provided, single submitter. Criteria: ACMG Guidelines, 2015. Collection method: clinical testing. Allele origin: germline.
Comment: The SCP2 c.353C>G variant is predicted to result in the amino acid substitution p.Ala118Gly. To our knowledge, this variant has not been reported in the literature or in a large population database (gnomAD), indicating this variant is rare. At this time, the clinical significance of this variant is uncertain due to the absence of conclusive functional and genetic evidence.

NM_002979.5(SCP2):c.353C>G (p.Ala118Gly)

Gene: SCP2 (sterol carrier protein 2; plus strand). Cytogenetic location: 1p32.3.
Variant type: single nucleotide variant.
Coding change: c.353C>G on transcript NM_002979.5 (MANE Select); coding-DNA position 353, C replaced by G.
Protein change: p.Ala118Gly; replaces alanine 118 with glycine.
Molecular consequence: missense variant.
Genome position (GRCh38, 1-based): chr1:52,954,761, C>G. VCF-style: chr1-52954761-C-G. GRCh37 (hg19) VCF-style: chr1-53420433-C-G.
Other names: c.221C>G, p.Ala74Gly (NM_001007098.3, NM_001193600.2); c.281C>G, p.Ala94Gly (NM_001193599.2); c.110C>G, p.Ala37Gly (NM_001193617.2); c.353C>G, p.Ala118Gly (NM_001330587.2); short protein forms A94G, A37G, A118G, A74G.
Identifiers: ClinVar variation 4996157 (VCV004996157.1).
Genomic context (GRCh38, chr1:52,954,761, plus strand): 5'-GAAATTTGAATTTTCAAAATAATTACGTTTTCCTTTAAGGTGTGGCAGAATGTGTCTTGG[C>G]TCTTGGGTTTGAGAAGATGAGTAAGGGAAGCCTTGGAATAAAAGTGAGTGTTATTTTGGC-3'
Protein context (NP_002970.2, residues 108-128): IQGGVAECVL[Ala118Gly]LGFEKMSKGS